The following is an entry in ClinVar:

ClinVar aggregate classification (germline): Uncertain significance (1 of 4 stars; one submission).

Conditions:
Catecholaminergic polymorphic ventricular tachycardia 1. Also called: VENTRICULAR TACHYCARDIA, STRESS-INDUCED POLYMORPHIC 1; VENTRICULAR TACHYCARDIA, CATECHOLAMINERGIC POLYMORPHIC, 1, WITH OR WITHOUT ATRIAL DYSFUNCTION AND/OR DILATED CARDIOMYOPATHY; RYR2-Related Catecholaminergic Polymorphic Ventricular Tachycardia. Identifiers: Orphanet 3286, MedGen C1631597, MONDO:0011484, OMIM 604772.

gnomAD v4.1: 2 of 1,613,266 alleles (0.00012%); highest among the groups gnomAD compares: Non-Finnish European, 0.00017%; no homozygotes.

Submission:

Labcorp Genetics (formerly Invitae), Labcorp
Classification: Uncertain significance for Catecholaminergic polymorphic ventricular tachycardia 1. Last evaluated: 2021-06-16. Review status: criteria provided, single submitter. Criteria: Invitae Variant Classification Sherloc (09022015). Collection method: clinical testing. Allele origin: germline.
Comment: Advanced modeling of protein sequence and biophysical properties (such as structural, functional, and spatial information, amino acid conservation, physicochemical variation, residue mobility, and thermodynamic stability) performed at Invitae indicates that this missense variant is not expected to disrupt RYR2 protein function. This sequence change replaces glutamine with leucine at codon 1995 of the RYR2 protein (p.Gln1995Leu). The glutamine residue is highly conserved and there is a moderate physicochemical difference between glutamine and leucine. This variant is not present in population databases (ExAC no frequency). This variant has not been reported in the literature in individuals with RYR2-related conditions. In summary, the available evidence is currently insufficient to determine the role of this variant in disease. Therefore, it has been classified as a Variant of Uncertain Significance.

NM_001035.3(RYR2):c.5984A>T (p.Gln1995Leu)

Gene: RYR2 (ryanodine receptor 2; plus strand). Cytogenetic location: 1q43.
Variant type: single nucleotide variant.
Coding change: c.5984A>T on transcript NM_001035.3 (MANE Select); coding-DNA position 5984, A replaced by T.
Protein change: p.Gln1995Leu; replaces glutamine 1995 with leucine.
Molecular consequence: missense variant.
Genome position (GRCh38, 1-based): chr1:237,623,832, A>T. VCF-style: chr1-237623832-A-T. GRCh37 (hg19) VCF-style: chr1-237787132-A-T.
Other names: short protein forms Q1995L.
Identifiers: ClinVar variation 1401374 (VCV001401374.9), dbSNP rs2148649347, ClinGen allele CA345408264.
Genomic context (GRCh38, chr1:237,623,832, plus strand): 5'-TGCTTCTCAATTTTAAGGATGACAAAAGTGAATGTCCATGTCCAGAAGAAATTCGTGACC[A>T]ACTATTGGATTTCCATGAAGATTTGATGACACATTGTGGTAAGGTCTTTTTGATTAAAAG-3'
Protein context (NP_001026.2, residues 1985-2005): ECPCPEEIRD[Gln1995Leu]LLDFHEDLMT